The following is an entry in ClinVar:

NM_007294.4(BRCA1):c.954_955insTT (p.Asn319fs)

Gene: BRCA1 (BRCA1 DNA repair associated; minus strand). Cytogenetic location: 17q21.31.
Variant type: Insertion.
Coding change: c.954_955insTT on transcript NM_007294.4 (MANE Select); coding-DNA positions 954 to 955, TT inserted.
Protein change: p.Asn319fs; shifts the reading frame from asparagine 319.
Molecular consequence: frameshift variant. On other transcripts: intron variant (137).
Genome position: GRCh38 VCF-style: chr17-43094576-T-TAA. GRCh37 (hg19) VCF-style: chr17-41246593-T-TAA.
Other names: c.873_874insTT, p.Asn292fs (NM_001407662.1, NM_001407659.1, NM_001407660.1 and 1 more transcripts); c.876_877insTT, p.Asn293fs (NM_001407663.1, NM_001407653.1, NM_001407654.1 and 4 more transcripts); c.831_832insTT, p.Asn278fs (NM_001407664.1, NM_001407665.1, NM_001407666.1 and 19 more transcripts); c.828_829insTT, p.Asn277fs (NM_001407670.1, NM_001407671.1, NM_001407672.1 and 11 more transcripts); c.954_955insTT, p.Asn319fs (NM_001407684.1, NM_001407854.1, NM_001407858.1 and 30 more transcripts); c.813_814insTT, p.Asn272fs (NM_001407692.1, NM_001407694.1, NM_001407695.1 and 29 more transcripts); c.810_811insTT, p.Asn271fs (NM_001407740.1, NM_001407741.1, NM_001407742.1 and 20 more transcripts); c.741_742insTT, p.Asn248fs (NM_001407853.1, NM_001407894.1, NM_001407895.1 and 9 more transcripts); and 41 more; short protein forms N319fs, N272fs, N191fs, N192fs, N248fs, N251fs, N293fs, N318fs.
Identifiers: ClinVar variation 855921 (VCV000855921.9), dbSNP rs80357690, ClinGen allele CA916080199.

ClinVar aggregate classification (germline): Pathogenic (1 of 4 stars; one submission).

Conditions:
Hereditary breast ovarian cancer syndrome. Also called: Breast and ovarian cancer; BRCA1- and BRCA2-Associated Hereditary Breast and Ovarian Cancer; Hereditary breast and ovarian cancer; Hereditary breast and ovarian cancer syndrome (HBOC); Hereditary breast and/or ovarian cancer syndrome; Hereditary breast and ovarian cancer syndrome. Identifiers: Orphanet 145, MedGen C0677776, MeSH D061325, MONDO:0003582. Disease mechanism: loss of function.

Submission:

Labcorp Genetics (formerly Invitae), Labcorp
Classification: Pathogenic for Hereditary breast ovarian cancer syndrome. Last evaluated: 2019-04-07. Review status: criteria provided, single submitter. Criteria: Invitae Variant Classification Sherloc (09022015). Collection method: clinical testing. Allele origin: germline.
Comment: This variant is not present in population databases (ExAC no frequency). For these reasons, this variant has been classified as Pathogenic. Loss-of-function variants in BRCA1 are known to be pathogenic (PMID: 20104584). This variant has not been reported in the literature in individuals with BRCA1-related conditions. This sequence change creates a premature translational stop signal (p.Asn319Leufs*23) in the BRCA1 gene. It is expected to result in an absent or disrupted protein product.

Literature cited by the submitters: PubMed 20104584.